The following is an entry in ClinVar:

ClinVar aggregate classification (germline): Uncertain significance (1 of 4 stars; one submission).

Conditions:
Hereditary cancer-predisposing syndrome. Also called: Tumor predisposition; Hereditary Cancer Syndrome; Neoplastic Syndromes, Hereditary; Hereditary neoplastic syndrome. Identifiers: Orphanet 140162, MedGen C0027672, MeSH D009386, MONDO:0015356.

Submission:

Ambry Genetics
Classification: Uncertain significance for Hereditary cancer-predisposing syndrome. Last evaluated: 2018-10-26. Review status: criteria provided, single submitter. Criteria: Ambry Variant Classification Scheme 2023. Collection method: clinical testing. Allele origin: germline.
Comment: The p.G925V variant (also known as c.2774G>T), located in coding exon 4 of the MSH6 gene, results from a G to T substitution at nucleotide position 2774. The glycine at codon 925 is replaced by valine, an amino acid with dissimilar properties. This amino acid position is highly conserved in available vertebrate species. In addition, this alteration is predicted to be deleterious by in silico analysis. In addition, the CoDP in silico tool predicts this alteration to likely impact molecular function, with a score of 0.976 (Terui H et al. J. Biomed. Sci. 2013 Apr;20:25). Since supporting evidence is limited at this time, the clinical significance of this alteration remains unclear.

NM_000179.3(MSH6):c.2774G>T (p.Gly925Val)

Gene: MSH6 (mutS homolog 6; plus strand). Cytogenetic location: 2p16.3.
Variant type: single nucleotide variant.
Coding change: c.2774G>T on transcript NM_000179.3 (MANE Select); coding-DNA position 2774, G replaced by T.
Protein change: p.Gly925Val; replaces glycine 925 with valine.
Molecular consequence: missense variant.
Genome position (GRCh38, 1-based): chr2:47,800,757, G>T. VCF-style: chr2-47800757-G-T. GRCh37 (hg19) VCF-style: chr2-48027896-G-T.
Other names: c.1868G>T, p.Gly623Val (NM_001406823.1, NM_001281493.2, NM_001281494.2 and 6 more transcripts); c.2384G>T, p.Gly795Val (NM_001281492.2); c.2870G>T, p.Gly957Val (NM_001406795.1, NM_001406802.1); c.2774G>T, p.Gly925Val (NM_001406796.1, NM_001406798.1, NM_001406800.1 and 2 more transcripts); c.2477G>T, p.Gly826Val (NM_001406797.1, NM_001406801.1, NM_001406805.1 and 10 more transcripts); c.2249G>T, p.Gly750Val (NM_001406799.1, NM_001406806.1, NM_001406807.1); c.2696G>T, p.Gly899Val (NM_001406804.1); c.2780G>T, p.Gly927Val (NM_001406813.1); and 2 more; short protein forms G795V, G750V, G869V, G927V, G240V, G826V, G925V, G623V.
Identifiers: ClinVar variation 1795837 (VCV001795837.2), dbSNP rs2104423446, ClinGen allele CA346755468.